The following is an entry in ClinVar:

ClinVar aggregate classification (germline): Conflicting classifications of pathogenicity. Review status: criteria provided, conflicting classifications (1 of 4 stars). 2 submissions from 2 submitters: Uncertain significance (1); Benign (1). Last evaluated 2024-02-12.

Conditions:
Spastic paraplegia. Identifiers: MedGen C0037772, HP:0001258.

Allele frequency attached by ClinVar (database versions not stated): gnomAD 0.00001; gnomAD exomes 0.00002; ExAC 0.00004.
gnomAD v4.1: 31 of 1,614,056 alleles (0.0019%); highest among the groups gnomAD compares: South Asian, 0.033%; no homozygotes.

Submissions (2):

Labcorp Genetics (formerly Invitae), Labcorp
Classification: Benign for Spastic paraplegia. Last evaluated: 2024-02-12. Review status: criteria provided, single submitter. Criteria: Invitae Variant Classification Sherloc (09022015). Collection method: clinical testing. Allele origin: germline.

Mayo Clinic Laboratories, Mayo Clinic
Classification: Uncertain significance. Last evaluated: 2023-12-08. Review status: criteria provided, single submitter. Criteria: ACMG Guidelines, 2015. Collection method: clinical testing. Allele origin: germline. Observed: 1 variant allele.
Comment: PM2_moderate

NM_014363.6(SACS):c.1406G>A (p.Gly469Asp)

Gene: SACS (sacsin molecular chaperone; minus strand). Cytogenetic location: 13q12.12.
Variant type: single nucleotide variant.
Coding change: c.1406G>A on transcript NM_014363.6 (MANE Select); coding-DNA position 1406, G replaced by A.
Protein change: p.Gly469Asp; replaces glycine 469 with aspartic acid.
Molecular consequence: missense variant.
Genome position (GRCh38, 1-based): chr13:23,355,206, C>T on the plus strand (G>A on the coding strand, the complement: SACS is on the minus strand). VCF-style: chr13-23355206-C-T. GRCh37 (hg19) VCF-style: chr13-23929345-C-T.
Other names: p.Gly469Asp; c.965G>A, p.Gly322Asp (NM_001278055.2); short protein forms G469D, G322D.
Identifiers: ClinVar variation 2954770 (VCV002954770.4), dbSNP rs759808501, ClinGen allele CA6911917.